The following is an entry in ClinVar:

NM_004415.4(DSP):c.5497G>T (p.Glu1833Ter)

Gene: DSP (desmoplakin; plus strand). Cytogenetic location: 6p24.3.
Variant type: single nucleotide variant.
Coding change: c.5497G>T on transcript NM_004415.4 (MANE Select); coding-DNA position 5497, G replaced by T.
Protein change: p.Glu1833Ter; replaces glutamic acid 1833 with a stop codon.
Molecular consequence: nonsense.
Genome position (GRCh38, 1-based): chr6:7,582,759, G>T. VCF-style: chr6-7582759-G-T. GRCh37 (hg19) VCF-style: chr6-7582992-G-T.
Other names: c.4168G>T, p.Glu1390Ter (NM_001319034.2); c.3700G>T, p.Glu1234Ter (NM_001008844.3); short protein forms E1234*, E1390*, E1833*.
Identifiers: ClinVar variation 1163846 (VCV001163846.5), dbSNP rs1294492338, ClinGen allele CA362688755.

ClinVar aggregate classification (germline): Likely pathogenic (1 of 4 stars; one submission).

Submission:

Mayo Clinic Laboratories, Mayo Clinic
Classification: Likely pathogenic. Last evaluated: 2021-02-03. Review status: criteria provided, single submitter. Criteria: ACMG Guidelines, 2015. Collection method: clinical testing. Allele origin: germline. Observed: 1 variant allele.
Comment: PVS1_Strong, PM2